The following is an entry in ClinVar:

NM_001002755.4(NFU1):c.563A>T (p.Asp188Val)

Gene: NFU1 (NFU1 iron-sulfur cluster scaffold; minus strand). Cytogenetic location: 2p13.3.
Variant type: single nucleotide variant.
Coding change: c.563A>T on transcript NM_001002755.4 (MANE Select); coding-DNA position 563, A replaced by T.
Protein change: p.Asp188Val; replaces aspartic acid 188 with valine.
Molecular consequence: missense variant. On other transcripts: non-coding transcript variant (1).
Genome position (GRCh38, 1-based): chr2:69,400,521, T>A on the plus strand (A>T on the coding strand, the complement: NFU1 is on the minus strand). VCF-style: chr2-69400521-T-A. GRCh37 (hg19) VCF-style: chr2-69627653-T-A.
Other names: c.140A>T, p.Asp47Val (NM_001002756.2); c.491A>T, p.Asp164Val (NM_001374284.1, NM_015700.4); short protein forms D164V, D188V, D47V.
Identifiers: ClinVar variation 4856011 (VCV004856011.1).

ClinVar aggregate classification (germline): Uncertain significance (1 of 4 stars; one submission).

Conditions:
NFU1-related disorder. Also called: NFU1-related condition.

Submission:

3billion
Classification: Uncertain significance for NFU1-related disorder. Last evaluated: 2025-12-14. Review status: criteria provided, single submitter. Criteria: ACMG Guidelines, 2015. Collection method: clinical testing. Allele origin: germline. Affected: yes.
Comment: The variant is not observed in the gnomAD v4.1.0 dataset. Predicted Consequence/Location: Missense variant In silico tool predictions suggest damaging effect of the variant on gene or gene product [REVEL: 0.94 (>=0.6, sensitivity 0.68 and specificity 0.92); 3Cnet: 0.99 (> 0.75, sensitivity 0.96 and precision 0.92)]. Therefore, this variant is classified as VUS according to the recommendation of ACMG/AMP guideline.